The following is an entry in ClinVar:

NM_017636.4(TRPM4):c.3315C>A (p.Ala1105=)

Gene: TRPM4 (transient receptor potential cation channel subfamily M member 4; plus strand). Cytogenetic location: 19q13.33.
Variant type: single nucleotide variant.
Coding change: c.3315C>A on transcript NM_017636.4 (MANE Select); coding-DNA position 3315, C replaced by A.
Protein change: p.Ala1105=; no amino-acid change (alanine 1105 retained).
Molecular consequence: synonymous variant.
Genome position (GRCh38, 1-based): chr19:49,210,392, C>A. VCF-style: chr19-49210392-C-A. GRCh37 (hg19) VCF-style: chr19-49713649-C-A.
Other names: c.2880C>A, p.Ala960= (NM_001195227.2); c.2970C>A, p.Ala990= (NM_001321281.2); c.1707C>A, p.Ala569= (NM_001321282.2); c.2793C>A, p.Ala931= (NM_001321283.2); c.2253C>A, p.Ala751= (NM_001321285.2).
Identifiers: ClinVar variation 415725 (VCV000415725.14), dbSNP rs982072766, ClinGen allele CA16616291.

ClinVar aggregate classification (germline): Likely benign. Review status: criteria provided, multiple submitters, no conflicts (2 of 4 stars). 4 submissions from 4 submitters: Likely benign (4). Last evaluated 2026-01-14.

Conditions:
Progressive familial heart block type IB (PFHB1B). Identifiers: Orphanet 871, MedGen C1970298, MONDO:0011474, OMIM 604559.
Cardiovascular phenotype. Identifiers: MedGen CN230736.

Allele frequency attached by ClinVar (database versions not stated): gnomAD 0.00002 and 0.00003.
gnomAD v4.1: 5 of 1,613,634 alleles (0.00031%); highest among the groups gnomAD compares: Admixed American, 0.0017%; no homozygotes.

Submissions (4):

Labcorp Genetics (formerly Invitae), Labcorp
Classification: Likely benign for Progressive familial heart block type IB. Last evaluated: 2026-01-14. Review status: criteria provided, single submitter. Criteria: Invitae Variant Classification Sherloc (09022015). Collection method: clinical testing. Allele origin: germline.

Blueprint Genetics
Classification: Likely benign. Last evaluated: 2024-11-15. Review status: criteria provided, single submitter. Criteria: ACMG Guidelines, 2015. Collection method: clinical testing. Allele origin: germline.

GeneDx
Classification: Likely benign. Last evaluated: 2018-02-08. Review status: criteria provided, single submitter. Criteria: GeneDx Variant Classification (06012015). Collection method: clinical testing. Allele origin: germline. Affected: yes.
Comment: This variant is considered likely benign or benign based on one or more of the following criteria: it is a conservative change, it occurs at a poorly conserved position in the protein, it is predicted to be benign by multiple in silico algorithms, and/or has population frequency not consistent with disease.

Ambry Genetics
Classification: Likely benign for Cardiovascular phenotype. Last evaluated: 2017-01-31. Review status: criteria provided, single submitter. Criteria: Ambry Variant Classification Scheme 2023. Collection method: clinical testing. Allele origin: germline.